The following is an entry in ClinVar:

NM_001374736.1(DST):c.19273G>A (p.Glu6425Lys)

Gene: DST (dystonin; minus strand). Cytogenetic location: 6p12.1.
Variant type: single nucleotide variant.
Coding change: c.19273G>A on transcript NM_001374736.1 (MANE Select); coding-DNA position 19273, G replaced by A.
Protein change: p.Glu6425Lys; replaces glutamic acid 6425 with lysine.
Molecular consequence: missense variant.
Genome position (GRCh38, 1-based): chr6:56,506,756, C>T on the plus strand (G>A on the coding strand, the complement: DST is on the minus strand). VCF-style: chr6-56506756-C-T. GRCh37 (hg19) VCF-style: chr6-56371554-C-T.
Other names: c.12916G>A, p.Glu4306Lys (NM_001144769.5); c.12502G>A, p.Glu4168Lys (NM_001144770.2); c.19273G>A, p.Glu6425Lys (NM_001374722.1); c.18313G>A, p.Glu6105Lys (NM_001374729.1); c.12055G>A, p.Glu4019Lys (NM_001374730.1); c.19300G>A, p.Glu6434Lys (NM_001374734.1); c.12382G>A, p.Glu4128Lys (NM_001386100.1, NM_183380.4); c.11404G>A, p.Glu3802Lys (NM_015548.5); short protein forms E4168K, E6105K, E6425K, E3802K, E4019K, E4128K, E6434K, E4306K.
Identifiers: ClinVar variation 2940671 (VCV002940671.3), dbSNP rs2534269369, ClinGen allele CA364522915.
Genomic context (GRCh38, chr6:56,506,756, plus strand): 5'-TATCAGGCTCCCCACATGCCGCAATGAGTTCAGAACCTAGGTTAATAACTATATCCAGCT[C>T]CTCCTGTAGTCCATCTATTTCTTCCCTTATGGTCTAGAATAAGAAAATGACAGCCTTAGA-3'
Protein context (NP_001361665.1, residues 6415-6435): IREEIDGLQE[Glu6425Lys]LDIVINLGSE

ClinVar aggregate classification (germline): Uncertain significance (1 of 4 stars; one submission).

Conditions:
Hereditary sensory and autonomic neuropathy type 6. Also called: HSAN VI; Neuropathy, hereditary sensory and autonomic, type VI. Identifiers: Orphanet 314381, MedGen C3539003, MONDO:0013839, OMIM 614653.
Epidermolysis bullosa simplex 3, localized or generalized intermediate, with BP230 deficiency (EBS3). Also called: Epidermolysis bullosa simplex due to BP230 deficiency; Epidermolysis bullosa simplex, autosomal recessive 2. Identifiers: Orphanet 412181, MedGen C3809470, MONDO:0014180, OMIM 615425.

Submission:

Labcorp Genetics (formerly Invitae), Labcorp
Classification: Uncertain significance for Epidermolysis bullosa simplex 3, localized or generalized intermediate, with BP230 deficiency; Hereditary sensory and autonomic neuropathy type 6. Last evaluated: 2024-04-14. Review status: criteria provided, single submitter. Criteria: Invitae Variant Classification Sherloc (09022015). Collection method: clinical testing. Allele origin: germline.
Comment: The DST gene has multiple clinically relevant transcripts. This variant occurs in alternate transcript NM_015548.4, and corresponds to NM_001723.5:c.*108761G>A in the primary transcript. This sequence change replaces glutamic acid, which is acidic and polar, with lysine, which is basic and polar, at codon 3802 of the DST protein (p.Glu3802Lys). This variant is not present in population databases (gnomAD no frequency). This variant has not been reported in the literature in individuals affected with DST-related conditions. Experimental studies and prediction algorithms are not available or were not evaluated, and the functional significance of this variant is currently unknown. In summary, the available evidence is currently insufficient to determine the role of this variant in disease. Therefore, it has been classified as a Variant of Uncertain Significance.